The following is an entry in ClinVar:

NM_001134831.2(AHI1):c.652T>C (p.Tyr218His)

Gene: AHI1 (Abelson helper integration site 1; minus strand). Cytogenetic location: 6q23.3.
Variant type: single nucleotide variant.
Coding change: c.652T>C on transcript NM_001134831.2 (MANE Select); coding-DNA position 652, T replaced by C.
Protein change: p.Tyr218His; replaces tyrosine 218 with histidine.
Molecular consequence: missense variant.
Genome position (GRCh38, 1-based): chr6:135,465,911, A>G on the plus strand (T>C on the coding strand, the complement: AHI1 is on the minus strand). VCF-style: chr6-135465911-A-G. GRCh37 (hg19) VCF-style: chr6-135787049-A-G.
Other names: c.652T>C, p.Tyr218His (NM_001134830.2, NM_001134832.2, NM_001350503.2 and 2 more transcripts); short protein forms Y218H.
Identifiers: ClinVar variation 967930 (VCV000967930.7), dbSNP rs758481039, ClinGen allele CA4012792.
Genomic context (GRCh38, chr6:135,465,911, plus strand): 5'-TCTTTTTCCTTTTTTCACTGCTTAGTTTGTCATCATGGAATAAAGTATCTGAGGGAAAGT[A>G]AGTCAACTGTTCTTTCAGTTTCTTTCTTATTTTCCTCTTAATCTCCTTTGCCATTTCTTC-3'
Protein context (NP_001128303.1, residues 208-228): IRKKLKEQLT[Tyr218His]FPSDTLFHDD

ClinVar aggregate classification (germline): Uncertain significance (1 of 4 stars; one submission).

Conditions:
Joubert syndrome. Also called: Familial aplasia of the vermis; CEREBELLOPARENCHYMAL DISORDER IV; JOUBERT-BOLTSHAUSER SYNDROME. Identifiers: Orphanet 475, MedGen C5979921, MONDO:0018772.

Allele frequency attached by ClinVar (database versions not stated): TOPMed below 0.00001; gnomAD exomes 0.00001 and 0.00002; ExAC 0.00003.
gnomAD v4.1: 6 of 1,596,420 alleles (0.00038%); highest among the groups gnomAD compares: Admixed American, 0.01%; no homozygotes.

Submission:

Labcorp Genetics (formerly Invitae), Labcorp
Classification: Uncertain significance for Joubert syndrome. Last evaluated: 2022-10-24. Review status: criteria provided, single submitter. Criteria: Invitae Variant Classification Sherloc (09022015). Collection method: clinical testing. Allele origin: germline.
Comment: This sequence change replaces tyrosine, which is neutral and polar, with histidine, which is basic and polar, at codon 218 of the AHI1 protein (p.Tyr218His). This variant is present in population databases (rs758481039, gnomAD 0.02%). This variant has not been reported in the literature in individuals affected with AHI1-related conditions. ClinVar contains an entry for this variant (Variation ID: 967930). Advanced modeling of protein sequence and biophysical properties (such as structural, functional, and spatial information, amino acid conservation, physicochemical variation, residue mobility, and thermodynamic stability) performed at Invitae indicates that this missense variant is not expected to disrupt AHI1 protein function. In summary, the available evidence is currently insufficient to determine the role of this variant in disease. Therefore, it has been classified as a Variant of Uncertain Significance.